The following is an entry in ClinVar:

NM_001367805.3(KIF23):c.2334A>T (p.Arg778Ser)

Gene: KIF23 (kinesin family member 23; plus strand). Cytogenetic location: 15q23.
Variant type: single nucleotide variant.
Coding change: c.2334A>T on transcript NM_001367805.3 (MANE Select); coding-DNA position 2334, A replaced by T.
Protein change: p.Arg778Ser; replaces arginine 778 with serine.
Molecular consequence: missense variant. On other transcripts: non-coding transcript variant (1), intron variant (1).
Genome position (GRCh38, 1-based): chr15:69,440,992, A>T. VCF-style: chr15-69440992-A-T. GRCh37 (hg19) VCF-style: chr15-69733331-A-T.
Other names: c.1962A>T, p.Arg654Ser (NM_001281301.2); c.2292A>T, p.Arg764Ser (NM_001367804.2, NM_138555.4); c.2067+505A>T (NM_004856.7); short protein forms R654S, R764S, R778S.
Identifiers: ClinVar variation 2067021 (VCV002067021.7), dbSNP rs765345610, ClinGen allele CA7635376.

ClinVar aggregate classification (germline): Uncertain significance. Review status: criteria provided, multiple submitters, no conflicts (2 of 4 stars). 2 submissions from 2 submitters: Uncertain significance (2). Last evaluated 2024-01-22.

Allele frequency attached by ClinVar (database versions not stated): gnomAD exomes 0.00001; TOPMed 0.00002; ExAC 0.00001.

Submissions (2):

Labcorp Genetics (formerly Invitae), Labcorp
Classification: Uncertain significance. Last evaluated: 2024-01-22. Review status: criteria provided, single submitter. Criteria: Invitae Variant Classification Sherloc (09022015). Collection method: clinical testing. Allele origin: germline.
Comment: This sequence change replaces arginine, which is basic and polar, with serine, which is neutral and polar, at codon 764 of the KIF23 protein (p.Arg764Ser). This variant is present in population databases (rs765345610, gnomAD 0.04%). This variant has not been reported in the literature in individuals affected with KIF23-related conditions. ClinVar contains an entry for this variant (Variation ID: 2067021). An algorithm developed to predict the effect of missense changes on protein structure and function (PolyPhen-2) suggests that this variant is likely to be tolerated. In summary, the available evidence is currently insufficient to determine the role of this variant in disease. Therefore, it has been classified as a Variant of Uncertain Significance.

Revvity Omics, Revvity
Classification: Uncertain significance. Last evaluated: 2021-12-31. Review status: criteria provided, single submitter. Criteria: ACMG Guidelines, 2015. Collection method: clinical testing. Allele origin: germline.